The following is an entry in ClinVar:

NM_000282.4(PCCA):c.600+1G>T

Gene: PCCA (propionyl-CoA carboxylase subunit alpha; plus strand). Cytogenetic location: 13q32.3.
Variant type: single nucleotide variant.
Coding change: c.600+1G>T on transcript NM_000282.4 (MANE Select); the canonical splice donor site of the intron after coding-DNA position 600, G replaced by T.
Molecular consequence: splice donor variant.
Genome position (GRCh38, 1-based): chr13:100,209,464, G>T. VCF-style: chr13-100209464-G-T. GRCh37 (hg19) VCF-style: chr13-100861718-G-T.
Other names: c.522+1G>T (NM_001127692.3, NM_001352607.2, NM_001352608.2); c.600+1G>T (NM_001352609.2, NM_001178004.2, NM_001352605.2 and 1 more transcripts); c.-267+1G>T (NM_001352610.2, NM_001352611.2, NM_001352612.2).
Identifiers: ClinVar variation 218249 (VCV000218249.3), dbSNP rs879253802, ClinGen allele CA10575826.
Genomic context (GRCh38, chr13:100,209,464, plus strand): 5'-AAATTATTAGCTAAGAAAGCAGAGGTTAATACAATCCCTGGCTTTGATGGAGTAGTCAAG[G>T]TGAGAAGCTACTTTAACTTTTATTGTATATGTCTTCAAGTTAAACATTTTGTCAAAAGTA-3'

ClinVar aggregate classification (germline): Pathogenic. Review status: criteria provided, single submitter (1 of 4 stars). 2 submissions from 2 submitters: Pathogenic (1). 1 of the submissions does not count toward it. Last evaluated 2013-01-01.

Conditions:
Propionic acidemia (PROP). Also called: GLYCINEMIA, KETOTIC; HYPERGLYCINEMIA WITH KETOACIDOSIS AND LEUKOPENIA; KETOTIC HYPERGLYCINEMIA. Identifiers: Orphanet 35, MedGen C0268579, MONDO:0011628, OMIM 606054, HP:0003571.

Submissions (2):

Institute of Medical Genetics and Genomics, Sir Ganga Ram Hospital
Classification: Pathogenic for Propionic Acidemia. Last evaluated: 2013-01-01. Review status: criteria provided, single submitter. Criteria: Gupta et al. (Genet Test Mol Biomarkers 2016). Collection method: research. Allele origin: germline. Affected: yes. Observed: 3 variant alleles. Study: ORGANIC ACIDURIAS.
Comment: Splice site mutation

Counsyl
Classification: Pathogenic for Propionic acidemia. Last evaluated: 2017-08-30. Review status: no assertion criteria provided. Collection method: clinical testing. Allele origin: unknown. Not counted in ClinVar's aggregate classification.

Literature cited by the submitters: PubMed 27227689 (cited by Counsyl).